The following is an entry in ClinVar:

NM_000186.4(CFH):c.2639C>T (p.Thr880Ile)

Gene: CFH (complement factor H; plus strand). Cytogenetic location: 1q31.3.
Variant type: single nucleotide variant.
Coding change: c.2639C>T on transcript NM_000186.4 (MANE Select); coding-DNA position 2639, C replaced by T.
Protein change: p.Thr880Ile; replaces threonine 880 with isoleucine.
Molecular consequence: missense variant.
Genome position (GRCh38, 1-based): chr1:196,737,517, C>T. VCF-style: chr1-196737517-C-T. GRCh37 (hg19) VCF-style: chr1-196706647-C-T.
Other names: short protein forms T880I.
Identifiers: ClinVar variation 294506 (VCV000294506.12), dbSNP rs186711438, ClinGen allele CA1305705.

ClinVar aggregate classification (germline): Uncertain significance. Review status: criteria provided, multiple submitters, no conflicts (2 of 4 stars). 11 submissions from 5 submitters: Uncertain significance (11). Last evaluated 2025-03-19.

Conditions:
Basal laminar drusen. Also called: DRUSEN OF BRUCH MEMBRANE; DRUSEN, CUTICULAR; DRUSEN, EARLY ADULT-ONSET, GROUPED. Identifiers: Orphanet 75376, MedGen C0730295, MONDO:0007472, OMIM 126700.
CFH-Related Dense Deposit Disease / Membranoproliferative Glomerulonephritis Type II. Identifiers: MedGen CN071292.
Factor H deficiency (CFHD). Also called: COMPLEMENT FACTOR H DEFICIENCY; CFH DEFICIENCY. Identifiers: Orphanet 200421, MedGen C0398777, MONDO:0012350, OMIM 609814.
Hemolytic uremic syndrome, atypical, susceptibility to, 1. Also called: AHUS, SUSCEPTIBILITY TO, 1. Identifiers: Orphanet 2134, Orphanet 90038, MedGen C2749604, MONDO:0009335, OMIM 235400. Disease mechanism: Other.
Inborn genetic diseases. Identifiers: MedGen C0950123, MeSH D030342.
Age related macular degeneration 4. Identifiers: MedGen C1853147, MONDO:0012540, OMIM 610698.
CFH-related disorder. Also called: CFH-related disorders; CFH-related condition.

Allele frequency attached by ClinVar (database versions not stated): TOPMed below 0.00001; ExAC 0.00001; gnomAD exomes 0.00001 and 0.00002; 1000 Genomes Project 30x 0.00016; 1000 Genomes Project 0.00020.
gnomAD v4.1: 15 of 1,613,220 alleles (0.00093%); highest among the groups gnomAD compares: Non-Finnish European, 0.0013%; no homozygotes.

Submissions (11):

PreventionGenetics, part of Exact Sciences
Classification: Uncertain significance for CFH-related condition. Last evaluated: 2025-03-19. Review status: criteria provided, single submitter. Criteria: ACMG Guidelines, 2015. Collection method: clinical testing. Allele origin: germline.
Comment: The CFH c.2639C>T variant is predicted to result in the amino acid substitution p.Thr880Ile. To our knowledge, this variant has not been reported in the literature. This variant is reported in 0.0062% of alleles in individuals of African descent in gnomAD. At this time, the clinical significance of this variant is uncertain due to the absence of conclusive functional and genetic evidence.

Ambry Genetics
Classification: Uncertain significance for Inborn genetic diseases. Last evaluated: 2024-11-13. Review status: criteria provided, single submitter. Criteria: Ambry Variant Classification Scheme 2023. Collection method: clinical testing. Allele origin: germline.

Labcorp Genetics (formerly Invitae), Labcorp
Classification: Uncertain significance. Last evaluated: 2024-08-19. Review status: criteria provided, single submitter. Criteria: Invitae Variant Classification Sherloc (09022015). Collection method: clinical testing. Allele origin: germline.
Comment: This sequence change replaces threonine, which is neutral and polar, with isoleucine, which is neutral and non-polar, at codon 880 of the CFH protein (p.Thr880Ile). This variant is present in population databases (rs186711438, gnomAD 0.003%). This variant has not been reported in the literature in individuals affected with CFH-related conditions. ClinVar contains an entry for this variant (Variation ID: 294506). An algorithm developed to predict the effect of missense changes on protein structure and function outputs the following: PolyPhen-2: "Possibly Damaging". The isoleucine amino acid residue is found in multiple mammalian species, which suggests that this missense change does not adversely affect protein function. In summary, the available evidence is currently insufficient to determine the role of this variant in disease. Therefore, it has been classified as a Variant of Uncertain Significance.

Genome-Nilou Lab
Classification: Uncertain significance for Hemolytic uremic syndrome, atypical, susceptibility to, 1. Last evaluated: 2023-04-11. Review status: criteria provided, single submitter. Criteria: ACMG Guidelines, 2015. Collection method: clinical testing. Allele origin: germline. Affected: no.

Genome-Nilou Lab
Classification: Uncertain significance for Age related macular degeneration 4. Last evaluated: 2023-04-11. Review status: criteria provided, single submitter. Criteria: ACMG Guidelines, 2015. Collection method: clinical testing. Allele origin: germline. Affected: no.

Genome-Nilou Lab
Classification: Uncertain significance for Basal laminar drusen. Last evaluated: 2023-04-11. Review status: criteria provided, single submitter. Criteria: ACMG Guidelines, 2015. Collection method: clinical testing. Allele origin: germline. Affected: no.

Genome-Nilou Lab
Classification: Uncertain significance for Factor H deficiency. Last evaluated: 2023-04-11. Review status: criteria provided, single submitter. Criteria: ACMG Guidelines, 2015. Collection method: clinical testing. Allele origin: germline. Affected: no.

Illumina Laboratory Services, Illumina
Classification: Uncertain significance for Age related macular degeneration 4. Last evaluated: 2018-01-12. Review status: criteria provided, single submitter. Criteria: ICSL Variant Classification Criteria 13 December 2019. Collection method: clinical testing. Allele origin: germline.

Illumina Laboratory Services, Illumina
Classification: Uncertain significance for Hemolytic uremic syndrome, atypical, susceptibility to, 1. Last evaluated: 2018-01-12. Review status: criteria provided, single submitter. Criteria: ICSL Variant Classification Criteria 13 December 2019. Collection method: clinical testing. Allele origin: germline.

Illumina Laboratory Services, Illumina
Classification: Uncertain significance for Basal laminar drusen. Last evaluated: 2018-01-12. Review status: criteria provided, single submitter. Criteria: ICSL Variant Classification Criteria 13 December 2019. Collection method: clinical testing. Allele origin: germline.

Illumina Laboratory Services, Illumina
Classification: Uncertain significance for Membranoproliferative glomerulonephritis with complement factor h deficiency. Last evaluated: 2018-01-12. Review status: criteria provided, single submitter. Criteria: ICSL Variant Classification Criteria 13 December 2019. Collection method: clinical testing. Allele origin: germline.